The following is an entry in ClinVar:

ClinVar aggregate classification (germline): Pathogenic (1 of 4 stars; one submission).

Submission:

Labcorp Genetics (formerly Invitae), Labcorp
Classification: Pathogenic. Last evaluated: 2024-03-13. Review status: criteria provided, single submitter. Criteria: Invitae Variant Classification Sherloc (09022015). Collection method: clinical testing. Allele origin: germline.
Comment: This sequence change creates a premature translational stop signal (p.Thr463Ilefs*22) in the TTC37 gene. It is expected to result in an absent or disrupted protein product. Loss-of-function variants in TTC37 are known to be pathogenic (PMID: 20176027, 21120949). This variant is not present in population databases (gnomAD no frequency). This variant has not been reported in the literature in individuals affected with TTC37-related conditions. For these reasons, this variant has been classified as Pathogenic.

Literature cited by the submitters: PubMed 20176027; PubMed 21120949.

NM_014639.4(SKIC3):c.1387_1388insTA (p.Thr463fs)

Gene: SKIC3 (SKI3 subunit of superkiller complex; minus strand). Cytogenetic location: 5q15.
Variant type: Insertion.
Coding change: c.1387_1388insTA on transcript NM_014639.4 (MANE Select); coding-DNA positions 1387 to 1388, TA inserted.
Protein change: p.Thr463fs; shifts the reading frame from threonine 463.
Molecular consequence: frameshift variant.
Genome position: GRCh38 VCF-style: chr5-95524529-G-GTA. GRCh37 (hg19) VCF-style: chr5-94860233-G-GTA.
Other names: short protein forms T463fs.
Identifiers: ClinVar variation 3686632 (VCV003686632.2).